The following is an entry in ClinVar:

NM_201384.3(PLEC):c.9435C>T (p.Asp3145=)

Gene: PLEC (plectin; minus strand). Cytogenetic location: 8q24.3.
Variant type: single nucleotide variant.
Coding change: c.9435C>T on transcript NM_201384.3 (MANE Select); coding-DNA position 9435, C replaced by T.
Protein change: p.Asp3145=; no amino-acid change (aspartic acid 3145 retained).
Molecular consequence: synonymous variant.
Genome position (GRCh38, 1-based): chr8:143,920,386, G>A on the plus strand (C>T on the coding strand, the complement: PLEC is on the minus strand). VCF-style: chr8-143920386-G-A. GRCh37 (hg19) VCF-style: chr8-144994554-G-A.
Other names: p.Asp3131=; c.9516C>T, p.Asp3172= (NM_000445.5); c.9393C>T, p.Asp3131= (NM_201378.4); c.9369C>T, p.Asp3123= (NM_201379.3); c.9846C>T, p.Asp3282= (NM_201380.4); c.9339C>T, p.Asp3113= (NM_201381.3); c.9435C>T, p.Asp3145= (NM_201382.4); c.9447C>T, p.Asp3149= (NM_201383.3).
Identifiers: ClinVar variation 129962 (VCV000129962.32), dbSNP rs60091617, ClinGen allele CA154672.

ClinVar aggregate classification (germline): Benign/Likely benign. Review status: criteria provided, multiple submitters, no conflicts (2 of 4 stars). 11 submissions from 11 submitters: Benign (6); Likely benign (1). 4 of the submissions do not count toward it. Last evaluated 2026-01-24.

Conditions:
PLEC-related disorder. Also called: PLEC-related disorders; PLEC-related condition.
Epidermolysis bullosa simplex 5C, with pyloric atresia (EBS5C). Also called: PLEC1-Related Epidermolysis Bullosa with Pyloric Atresia; PLEC-Related Epidermolysis Bullosa with Pyloric Atresia; Epidermolysis bullosa simplex with pyloric atresia. Identifiers: Orphanet 158684, MedGen C2677349, MONDO:0012807, OMIM 612138.
Epidermolysis bullosa simplex 5B, with muscular dystrophy (EBS5B). Also called: Epidermolysis bullosa simplex with muscular dystrophy; EPIDERMOLYSIS BULLOSA SIMPLEX AND LIMB-GIRDLE MUSCULAR DYSTROPHY. Identifiers: Orphanet 257, MedGen C2931072, MONDO:0009181, OMIM 226670.
Epidermolysis bullosa simplex, Ogna type (EBS5A). Also called: Pidermolysis bullosa simplex 5A, Ogna type; EPIDERMOLYSIS BULLOSA SIMPLEX 5A, OGNA TYPE. Identifiers: Orphanet 79401, MedGen C0432317, MONDO:0007555, OMIM 131950.
Autosomal recessive limb-girdle muscular dystrophy type 2Q (LGMDR17). Also called: MUSCULAR DYSTROPHY, LIMB-GIRDLE, AUTOSOMAL RECESSIVE 17. Identifiers: Orphanet 254361, MedGen C3150989, MONDO:0013390, OMIM 613723.
Epidermolysis bullosa simplex with nail dystrophy (EBS5D). Identifiers: MedGen C4225309, MONDO:0014661, OMIM 616487.

Allele frequency attached by ClinVar (database versions not stated): gnomAD exomes 0.00069 and 0.00169; ExAC 0.00237; 1000 Genomes Project 0.00599; 1000 Genomes Project 30x 0.00625; gnomAD 0.00650 and 0.00708; ESP Exome Variant Server 0.00779; TOPMed 0.00780.
gnomAD v4.1: 2,011 of 1,591,912 alleles (0.13%); highest among the groups gnomAD compares: African/African-American, 2.5%; 29 homozygotes.

Submissions (11):

Labcorp Genetics (formerly Invitae), Labcorp
Classification: Benign for Autosomal recessive limb-girdle muscular dystrophy type 2Q; Epidermolysis bullosa simplex, Ogna type; Epidermolysis bullosa simplex with nail dystrophy; Epidermolysis bullosa simplex 5C, with pyloric atresia; Epidermolysis bullosa simplex 5B, with muscular dystrophy. Last evaluated: 2026-01-24. Review status: criteria provided, single submitter. Criteria: Invitae Variant Classification Sherloc (09022015). Collection method: clinical testing. Allele origin: germline.

Blueprint Genetics
Classification: Likely benign. Last evaluated: 2024-11-25. Review status: criteria provided, single submitter. Criteria: ACMG Guidelines, 2015. Collection method: clinical testing. Allele origin: germline.

Athena Diagnostics
Classification: Benign. Last evaluated: 2024-10-31. Review status: criteria provided, single submitter. Criteria: Athena Diagnostics Criteria. Collection method: clinical testing. Allele origin: unknown.

Mayo Clinic Laboratories, Mayo Clinic
Classification: Benign. Last evaluated: 2024-04-09. Review status: criteria provided, single submitter. Criteria: ACMG Guidelines, 2015. Collection method: clinical testing. Allele origin: germline. Observed: 7 variant alleles.
Comment: BS1, BS2, BP4, BP7

GeneDx
Classification: Benign. Last evaluated: 2017-02-16. Review status: criteria provided, single submitter. Criteria: GeneDx Variant Classification (06012015). Collection method: clinical testing. Allele origin: germline. Affected: yes.
Comment: This variant is considered likely benign or benign based on one or more of the following criteria: it is a conservative change, it occurs at a poorly conserved position in the protein, it is predicted to be benign by multiple in silico algorithms, and/or has population frequency not consistent with disease.

Eurofins Ntd Llc (ga)
Classification: Benign. Last evaluated: 2015-07-10. Review status: criteria provided, single submitter. Criteria: EGL Classification Definitions 2015. Collection method: clinical testing. Allele origin: germline. Observed: 1 variant allele, 1 heterozygote.

Breakthrough Genomics
Classification: Benign. Review status: criteria provided, single submitter. Criteria: ACMG Guidelines, 2015. Collection method: not provided. Allele origin: germline. Inheritance: Autosomal recessive inheritance. Affected: yes.

PreventionGenetics, part of Exact Sciences
Classification: Benign for PLEC-related condition. Last evaluated: 2019-03-29. Review status: no assertion criteria provided. Collection method: clinical testing. Allele origin: germline. Not counted in ClinVar's aggregate classification.
Comment: This variant is classified as benign based on ACMG/AMP sequence variant interpretation guidelines (Richards et al. 2015 PMID: 25741868, with internal and published modifications).

Clinical Genetics DNA and cytogenetics Diagnostics Lab, Erasmus MC, Erasmus Medical Center
Classification: Benign. Review status: no assertion criteria provided. Collection method: clinical testing. Allele origin: germline. Affected: yes. Study: VKGL Data-share Consensus. Not counted in ClinVar's aggregate classification.

Genetic Services Laboratory, University of Chicago
Classification: Likely benign for AllHighlyPenetrant. Review status: no assertion criteria provided. Collection method: clinical testing. Allele origin: germline. Inheritance: Autosomal recessive inheritance. Not counted in ClinVar's aggregate classification.
Comment: Likely benign based on allele frequency in 1000 Genomes Project or ESP global frequency and its presence in a patient with a rare or unrelated disease phenotype. NOT Sanger confirmed.

Laboratory of Diagnostic Genome Analysis, Leiden University Medical Center (LUMC)
Classification: Likely benign. Review status: no assertion criteria provided. Collection method: clinical testing. Allele origin: germline. Affected: yes. Study: VKGL Data-share Consensus. Not counted in ClinVar's aggregate classification.